The following is an entry in ClinVar:

ClinVar aggregate classification (germline): Uncertain significance (1 of 4 stars; one submission).

gnomAD v4.1: 1 of 1,613,992 alleles (0.000062%); no homozygotes.

Submission:

Ambry Genetics
Classification: Uncertain significance. Last evaluated: 2021-11-23. Review status: criteria provided, single submitter. Criteria: Ambry Variant Classification Scheme 2023. Collection method: clinical testing. Allele origin: germline.
Comment: The p.A94V variant (also known as c.281C>T), located in coding exon 3 of the NQO1 gene, results from a C to T substitution at nucleotide position 281. The alanine at codon 94 is replaced by valine, an amino acid with similar properties. This amino acid position is conserved. In addition, this alteration is predicted to be tolerated by in silico analysis. Since supporting evidence is limited at this time, the clinical significance of this alteration remains unclear.

NM_000903.3(NQO1):c.281C>T (p.Ala94Val)

Gene: NQO1 (NAD(P)H quinone dehydrogenase 1; minus strand). Cytogenetic location: 16q22.1.
Variant type: single nucleotide variant.
Coding change: c.281C>T on transcript NM_000903.3 (MANE Select); coding-DNA position 281, C replaced by T.
Protein change: p.Ala94Val; replaces alanine 94 with valine.
Molecular consequence: missense variant.
Genome position (GRCh38, 1-based): chr16:69,718,145, G>A on the plus strand (C>T on the coding strand, the complement: NQO1 is on the minus strand). VCF-style: chr16-69718145-G-A. GRCh37 (hg19) VCF-style: chr16-69752048-G-A.
Other names: c.281C>T, p.Ala94Val (NM_001025433.2, NM_001025434.2, NM_001286137.2); short protein forms A94V.
Identifiers: ClinVar variation 1796425 (VCV001796425.2), dbSNP rs2544332238, ClinGen allele CA396489805.